The following is an entry in ClinVar:

NM_007363.5(NONO):c.457C>G (p.Arg153Gly)

Gene: NONO (non-POU domain containing octamer binding; plus strand). Cytogenetic location: Xq13.1.
Variant type: single nucleotide variant.
Coding change: c.457C>G on transcript NM_007363.5 (MANE Select); coding-DNA position 457, C replaced by G.
Protein change: p.Arg153Gly; replaces arginine 153 with glycine.
Molecular consequence: missense variant.
Genome position (GRCh38, 1-based): chrX:71,294,335, C>G. VCF-style: chrX-71294335-C-G. GRCh37 (hg19) VCF-style: chrX-70514185-C-G.
Other names: c.457C>G, p.Arg153Gly (NM_001145408.2, NM_001145409.2); c.190C>G, p.Arg64Gly (NM_001145410.2); short protein forms R153G, R64G.
Identifiers: ClinVar variation 3662618 (VCV003662618.2).

ClinVar aggregate classification (germline): Uncertain significance (1 of 4 stars; one submission).

Submission:

Labcorp Genetics (formerly Invitae), Labcorp
Classification: Uncertain significance. Last evaluated: 2024-11-19. Review status: criteria provided, single submitter. Criteria: Invitae Variant Classification Sherloc (09022015). Collection method: clinical testing. Allele origin: germline.
Comment: This sequence change replaces arginine, which is basic and polar, with glycine, which is neutral and non-polar, at codon 153 of the NONO protein (p.Arg153Gly). This variant is not present in population databases (gnomAD no frequency). This variant has not been reported in the literature in individuals affected with NONO-related conditions. Invitae Evidence Modeling of protein sequence and biophysical properties (such as structural, functional, and spatial information, amino acid conservation, physicochemical variation, residue mobility, and thermodynamic stability) indicates that this missense variant is not expected to disrupt NONO protein function with a negative predictive value of 80%. In summary, the available evidence is currently insufficient to determine the role of this variant in disease. Therefore, it has been classified as a Variant of Uncertain Significance.